The following is an entry in ClinVar:

NM_006516.4(SLC2A1):c.760G>A (p.Glu254Lys)

Gene: SLC2A1 (solute carrier family 2 member 1; minus strand). Cytogenetic location: 1p34.2.
Variant type: single nucleotide variant.
Coding change: c.760G>A on transcript NM_006516.4 (MANE Select); coding-DNA position 760, G replaced by A.
Protein change: p.Glu254Lys; replaces glutamic acid 254 with lysine.
Molecular consequence: missense variant.
Genome position (GRCh38, 1-based): chr1:42,929,700, C>T on the plus strand (G>A on the coding strand, the complement: SLC2A1 is on the minus strand). VCF-style: chr1-42929700-C-T. GRCh37 (hg19) VCF-style: chr1-43395371-C-T.
Other names: short protein forms E254K.
Identifiers: ClinVar variation 1035081 (VCV001035081.9), dbSNP rs1643466842, ClinGen allele CA339957914.

ClinVar aggregate classification (germline): Uncertain significance (1 of 4 stars; one submission).

Conditions:
GLUT1 deficiency syndrome 1, autosomal recessive. Identifiers: MedGen C3149117.

Submission:

Labcorp Genetics (formerly Invitae), Labcorp
Classification: Uncertain significance for GLUT1 deficiency syndrome 1, autosomal recessive. Last evaluated: 2020-02-12. Review status: criteria provided, single submitter. Criteria: Invitae Variant Classification Sherloc (09022015). Collection method: clinical testing. Allele origin: germline.
Comment: In summary, the available evidence is currently insufficient to determine the role of this variant in disease. Therefore, it has been classified as a Variant of Uncertain Significance. Algorithms developed to predict the effect of missense changes on protein structure and function are either unavailable or do not agree on the potential impact of this missense change (SIFT: "Deleterious"; PolyPhen-2: "Benign"; Align-GVGD: "Class C0"). This variant has not been reported in the literature in individuals with SLC2A1-related conditions. This variant is not present in population databases (ExAC no frequency). This sequence change replaces glutamic acid with lysine at codon 254 of the SLC2A1 protein (p.Glu254Lys). The glutamic acid residue is highly conserved and there is a small physicochemical difference between glutamic acid and lysine.